The following is an entry in ClinVar:

ClinVar aggregate classification (germline): Uncertain significance (1 of 4 stars; one submission).

Submission:

Labcorp Genetics (formerly Invitae), Labcorp
Classification: Uncertain significance. Last evaluated: 2021-06-22. Review status: criteria provided, single submitter. Criteria: Invitae Variant Classification Sherloc (09022015). Collection method: clinical testing. Allele origin: germline.
Comment: In summary, the available evidence is currently insufficient to determine the role of this variant in disease. Therefore, it has been classified as a Variant of Uncertain Significance. Algorithms developed to predict the effect of missense changes on protein structure and function are either unavailable or do not agree on the potential impact of this missense change (SIFT: "Tolerated"; PolyPhen-2: "Possibly Damaging"; Align-GVGD: "Class C0"). This variant has not been reported in the literature in individuals with PPOX-related conditions. This variant is not present in population databases (ExAC no frequency). This sequence change replaces leucine with phenylalanine at codon 236 of the PPOX protein (p.Leu236Phe). The leucine residue is highly conserved and there is a small physicochemical difference between leucine and phenylalanine.

NM_001122764.3(PPOX):c.708G>T (p.Leu236Phe)

Gene: PPOX (protoporphyrinogen oxidase; plus strand). Cytogenetic location: 1q23.3.
Variant type: single nucleotide variant.
Coding change: c.708G>T on transcript NM_001122764.3 (MANE Select); coding-DNA position 708, G replaced by T.
Protein change: p.Leu236Phe; replaces leucine 236 with phenylalanine.
Molecular consequence: missense variant.
Genome position (GRCh38, 1-based): chr1:161,169,084, G>T. VCF-style: chr1-161169084-G-T. GRCh37 (hg19) VCF-style: chr1-161138874-G-T.
Other names: c.708G>T, p.Leu236Phe (NM_000309.5, NM_001365398.1, NM_001365399.1); c.609G>T, p.Leu203Phe (NM_001350128.2); c.300G>T, p.Leu100Phe (NM_001350129.2, NM_001365400.1); c.222G>T, p.Leu74Phe (NM_001350130.2, NM_001350131.2, NM_001365401.1); short protein forms L236F, L100F, L203F, L74F.
Identifiers: ClinVar variation 1472217 (VCV001472217.8), dbSNP rs2101877634, ClinGen allele CA343354737.